The following is an entry in ClinVar:

ClinVar aggregate classification (germline): Benign. Review status: criteria provided, multiple submitters, no conflicts (2 of 4 stars). 4 submissions from 4 submitters: Benign (3). 1 of the submissions does not count toward it. Last evaluated 2026-01-18.

Conditions:
GUCY1A1-related disorder. Also called: GUCY1A1-related condition.

Allele frequency attached by ClinVar (database versions not stated): 1000 Genomes Project 30x 0.04685; gnomAD 0.03968 and 0.04254; TOPMed 0.04515; ESP Exome Variant Server 0.04606; 1000 Genomes Project 0.04513.
gnomAD v4.1: 12,002 of 1,613,220 alleles (0.74%); highest among the groups gnomAD compares: African/African-American, 14%; 757 homozygotes.

Submissions (4):

Labcorp Genetics (formerly Invitae), Labcorp
Classification: Benign. Last evaluated: 2026-01-18. Review status: criteria provided, single submitter. Criteria: Invitae Variant Classification Sherloc (09022015). Collection method: clinical testing. Allele origin: germline.

Mayo Clinic Laboratories, Mayo Clinic
Classification: Benign. Last evaluated: 2023-07-09. Review status: criteria provided, single submitter. Criteria: ACMG Guidelines, 2015. Collection method: clinical testing. Allele origin: germline. Observed: 16 variant alleles.

Breakthrough Genomics
Classification: Benign. Review status: criteria provided, single submitter. Criteria: ACMG Guidelines, 2015. Collection method: not provided. Allele origin: germline. Inheritance: Autosomal recessive inheritance. Affected: yes.

PreventionGenetics, part of Exact Sciences
Classification: Benign for GUCY1A1-related condition. Last evaluated: 2019-08-28. Review status: no assertion criteria provided. Collection method: clinical testing. Allele origin: germline. Not counted in ClinVar's aggregate classification.
Comment: This variant is classified as benign based on ACMG/AMP sequence variant interpretation guidelines (Richards et al. 2015 PMID: 25741868, with internal and published modifications).

NM_001130682.3(GUCY1A1):c.170A>C (p.Glu57Ala)

Gene: GUCY1A1 (guanylate cyclase 1 soluble subunit alpha 1; plus strand). Cytogenetic location: 4q32.1.
Variant type: single nucleotide variant.
Coding change: c.170A>C on transcript NM_001130682.3 (MANE Select); coding-DNA position 170, A replaced by C.
Protein change: p.Glu57Ala; replaces glutamic acid 57 with alanine.
Molecular consequence: missense variant. On other transcripts: 5 prime UTR variant (1).
Genome position (GRCh38, 1-based): chr4:155,697,037, A>C. VCF-style: chr4-155697037-A-C. GRCh37 (hg19) VCF-style: chr4-156618189-A-C.
Other names: p.Glu57Ala; c.170A>C (NM_000856.5); c.170A>C, p.Glu57Ala (NM_000856.6, NM_001130683.4, NM_001130684.3 and 13 more transcripts); c.-536A>C (NM_001130685.3); short protein forms E57A.
Identifiers: ClinVar variation 1600192 (VCV001600192.12), dbSNP rs61736997, ClinGen allele CA3117075.